The following is an entry in ClinVar:

ClinVar aggregate classification (germline): Benign/Likely benign. Review status: criteria provided, multiple submitters, no conflicts (2 of 4 stars). 4 submissions from 4 submitters: Benign (1); Likely benign (3). Last evaluated 2026-01-18.

Conditions:
Hereditary cancer-predisposing syndrome. Also called: Hereditary Cancer Syndrome; Neoplastic Syndromes, Hereditary; Tumor predisposition; Hereditary neoplastic syndrome. Identifiers: Orphanet 140162, MedGen C0027672, MeSH D009386, MONDO:0015356.
Ataxia-telangiectasia syndrome (AT). Also called: Cerebello-oculocutaneous telangiectasia; Immunodeficiency with ataxia telangiectasia; Ataxia-telangiectasia, complementation group E; Ataxia-telangiectasia, complementation group D; AT, COMPLEMENTATION GROUP C; ATAXIA-TELANGIECTASIA, COMPLEMENTATION GROUP A. Identifiers: Orphanet 100, MedGen C0004135, MONDO:0008840, OMIM 208900.
Familial cancer of breast. Also called: BREAST CANCER, FAMILIAL; Hereditary breast cancer; hereditary breast carcinoma. Identifiers: Orphanet 227535, MedGen C0346153, MONDO:0016419, OMIM 114480. Disease mechanism: loss of function.

Allele frequency attached by ClinVar (database versions not stated): gnomAD exomes below 0.00001.
gnomAD v4.1: 1 of 1,614,154 alleles (0.000062%); highest among the groups gnomAD compares: Non-Finnish European, 0.000085%; no homozygotes.

Submissions (4):

Ambry Genetics
Classification: Likely benign for Hereditary cancer-predisposing syndrome. Last evaluated: 2026-01-18. Review status: criteria provided, single submitter. Criteria: Ambry Variant Classification Scheme 2023. Collection method: clinical testing. Allele origin: germline.

Myriad Genetics, Inc.
Classification: Benign for Familial cancer of breast. Last evaluated: 2024-06-20. Review status: criteria provided, single submitter. Criteria: Myriad Autosomal Dominant, Autosomal Recessive and X-Linked Classification Criteria (2023). Collection method: clinical testing. Allele origin: unknown.
Comment: This variant is considered benign. This variant is a silent/synonymous amino acid change and it is not expected to impact splicing.

Labcorp Genetics (formerly Invitae), Labcorp
Classification: Likely benign for Ataxia-telangiectasia syndrome. Last evaluated: 2023-04-28. Review status: criteria provided, single submitter. Criteria: Invitae Variant Classification Sherloc (09022015). Collection method: clinical testing. Allele origin: germline.

GeneDx
Classification: Likely benign. Last evaluated: 2017-08-25. Review status: criteria provided, single submitter. Criteria: GeneDx Variant Classification (06012015). Collection method: clinical testing. Allele origin: germline. Affected: yes.
Comment: This variant is considered likely benign or benign based on one or more of the following criteria: it is a conservative change, it occurs at a poorly conserved position in the protein, it is predicted to be benign by multiple in silico algorithms, and/or has population frequency not consistent with disease.

NM_000051.4(ATM):c.8706T>C (p.Thr2902=)

Genes: ATM (ATM serine/threonine kinase; plus strand), C11orf65 (chromosome 11 open reading frame 65; minus strand). Cytogenetic location: 11q22.3.
Variant type: single nucleotide variant.
Coding change: c.8706T>C on transcript NM_000051.4 (MANE Select); coding-DNA position 8706, T replaced by C.
Protein change: p.Thr2902=; no amino-acid change (threonine 2902 retained).
Molecular consequence: synonymous variant. On other transcripts: intron variant (2).
Genome position (GRCh38, 1-based): chr11:108,353,800, T>C. VCF-style: chr11-108353800-T-C. GRCh37 (hg19) VCF-style: chr11-108224527-T-C.
Other names: c.8706T>C, p.Thr2902= (NM_001351834.2); c.640+32120A>G (NM_001330368.2); c.695-18508A>G (NM_001351110.2).
Identifiers: ClinVar variation 511758 (VCV000511758.8), dbSNP rs1555142824, ClinGen allele CA476673832.